The following is an entry in ClinVar:

NM_000755.5(CRAT):c.421A>G (p.Lys141Glu)

Gene: CRAT (carnitine O-acetyltransferase; minus strand). Cytogenetic location: 9q34.11.
Variant type: single nucleotide variant.
Coding change: c.421A>G on transcript NM_000755.5 (MANE Select); coding-DNA position 421, A replaced by G.
Protein change: p.Lys141Glu; replaces lysine 141 with glutamic acid.
Molecular consequence: missense variant.
Genome position (GRCh38, 1-based): chr9:129,103,056, T>C on the plus strand (A>G on the coding strand, the complement: CRAT is on the minus strand). VCF-style: chr9-129103056-T-C. GRCh37 (hg19) VCF-style: chr9-131865335-T-C.
Other names: c.358A>G, p.Lys120Glu (NM_001257363.3, NM_001346548.2, NM_004003.4); c.424A>G, p.Lys142Glu (NM_001346546.2); c.421A>G, p.Lys141Glu (NM_001346547.2); c.301A>G, p.Lys101Glu (NM_001346549.2); short protein forms K141E, K142E, K101E, K120E.
Identifiers: ClinVar variation 4740451 (VCV004740451.1).

ClinVar aggregate classification (germline): Uncertain significance (1 of 4 stars; one submission).

gnomAD v4.1: 1 of 1,614,138 alleles (0.000062%); highest among the groups gnomAD compares: Non-Finnish European, 0.000085%; no homozygotes.

Submission:

Labcorp Genetics (formerly Invitae), Labcorp
Classification: Uncertain significance. Last evaluated: 2025-12-20. Review status: criteria provided, single submitter. Criteria: Invitae Variant Classification Sherloc (09022015). Collection method: clinical testing. Allele origin: germline.
Comment: This sequence change replaces lysine, which is basic and polar, with glutamic acid, which is acidic and polar, at codon 141 of the CRAT protein (p.Lys141Glu). This variant is not present in population databases (gnomAD no frequency). This variant has not been reported in the literature in individuals affected with CRAT-related conditions. Invitae Evidence Modeling of protein sequence and biophysical properties (such as structural, functional, and spatial information, amino acid conservation, physicochemical variation, residue mobility, and thermodynamic stability) indicates that this missense variant is not expected to disrupt CRAT protein function with a negative predictive value of 80%. In summary, the available evidence is currently insufficient to determine the role of this variant in disease. Therefore, it has been classified as a Variant of Uncertain Significance.